The following is an entry in ClinVar:

ClinVar aggregate classification (germline): Uncertain significance (1 of 4 stars; one submission).

Submission:

GeneDx
Classification: Uncertain significance. Last evaluated: 2019-04-25. Review status: criteria provided, single submitter. Criteria: GeneDx Variant Classification Process June 2021. Collection method: clinical testing. Allele origin: germline. Affected: yes.
Comment: Not observed in large population cohorts (Lek et al., 2016); Frameshift variant predicted to result in protein truncation as the last 59 amino acids are lost and replaced with 41 incorrect amino acids, although loss-of-function variants have not been reported downstream of this position in the protein; Has not been previously published as pathogenic or benign to our knowledge

NM_015559.3(SETBP1):c.4612del (p.Leu1538fs)

Gene: SETBP1 (SET binding protein 1; plus strand). Cytogenetic location: 18q12.3.
Variant type: Deletion.
Coding change: c.4612del on transcript NM_015559.3 (MANE Select); coding-DNA position 4612, one base deleted (C; older notation c.4612delC).
Protein change: p.Leu1538fs; shifts the reading frame from leucine 1538.
Molecular consequence: frameshift variant.
Genome position (GRCh38, 1-based): chr18:45,063,519, C deleted; the last of 4 consecutive C bases (chr18:45,063,516-45,063,519); deleting any one gives the same sequence. VCF-style (leftmost placement, unchanged base first): chr18-45063515-AC-A. GRCh37 (hg19) VCF-style: chr18-42643480-AC-A.
Other names: c.4612delC (NM_015559.2); c.4612del, p.Leu1538fs (LRG_1150t1); short protein forms L1538fs.
Identifiers: ClinVar variation 452634 (VCV000452634.3), dbSNP rs1555651960, ClinGen allele CA658658738.
Genomic context (GRCh38, chr18:45,063,515, plus strand): 5'-CCGGGAGGCGCCGCCCCTGCCCCCGCCACCGCCGCCGCCCCTGCCGCCACCGCCGCCACC[AC>A]CCCTGCCCCCGCCACCCCCTCTACCCAAGACCCCCCGAGGCGGAAAGAGGAAACACAAAC-3'